The following is an entry in ClinVar:

ClinVar aggregate classification (germline): Uncertain significance (1 of 4 stars; one submission).

Allele frequency attached by ClinVar (database versions not stated): ExAC 0.00004; TOPMed 0.00004; gnomAD 0.00005.
gnomAD v4.1: 39 of 1,606,730 alleles (0.0024%); highest among the groups gnomAD compares: East Asian, 0.025%; no homozygotes.

Submission:

Labcorp Genetics (formerly Invitae), Labcorp
Classification: Uncertain significance. Last evaluated: 2025-12-28. Review status: criteria provided, single submitter. Criteria: Invitae Variant Classification Sherloc (09022015). Collection method: clinical testing. Allele origin: germline.
Comment: This sequence change replaces valine, which is neutral and non-polar, with isoleucine, which is neutral and non-polar, at codon 2907 of the TRRAP protein (p.Val2907Ile). This variant is present in population databases (rs761526429, gnomAD 0.03%). This variant has not been reported in the literature in individuals affected with TRRAP-related conditions. ClinVar contains an entry for this variant (Variation ID: 2077569). Invitae Evidence Modeling of protein sequence and biophysical properties (such as structural, functional, and spatial information, amino acid conservation, physicochemical variation, residue mobility, and thermodynamic stability) indicates that this missense variant is not expected to disrupt TRRAP protein function with a negative predictive value of 80%. In summary, the available evidence is currently insufficient to determine the role of this variant in disease. Therefore, it has been classified as a Variant of Uncertain Significance.

NM_001375524.1(TRRAP):c.8794G>A (p.Val2932Ile)

Gene: TRRAP (transformation/transcription domain associated protein; plus strand). Cytogenetic location: 7q22.1.
Variant type: single nucleotide variant.
Coding change: c.8794G>A on transcript NM_001375524.1 (MANE Select); coding-DNA position 8794, G replaced by A.
Protein change: p.Val2932Ile; replaces valine 2932 with isoleucine.
Molecular consequence: missense variant.
Genome position (GRCh38, 1-based): chr7:98,981,928, G>A. VCF-style: chr7-98981928-G-A. GRCh37 (hg19) VCF-style: chr7-98579551-G-A.
Other names: c.8773G>A, p.Val2925Ile (NM_001244580.2); c.8719G>A, p.Val2907Ile (NM_003496.4); short protein forms V2925I, V2907I, V2932I.
Identifiers: ClinVar variation 2077569 (VCV002077569.4), dbSNP rs761526429, ClinGen allele CA4361537.